The following is an entry in ClinVar:

NM_015028.4(TNIK):c.666C>T (p.Thr222=)

Gene: TNIK (TRAF2 and NCK interacting kinase; minus strand). Cytogenetic location: 3q26.2.
Variant type: single nucleotide variant.
Coding change: c.666C>T on transcript NM_015028.4 (MANE Select); coding-DNA position 666, C replaced by T.
Protein change: p.Thr222=; no amino-acid change (threonine 222 retained).
Molecular consequence: synonymous variant.
Genome position (GRCh38, 1-based): chr3:171,177,354, G>A on the plus strand (C>T on the coding strand, the complement: TNIK is on the minus strand). VCF-style: chr3-171177354-G-A. GRCh37 (hg19) VCF-style: chr3-170895143-G-A.
Other names: c.666C>T, p.Thr222= (NM_001161560.3, NM_001161561.3, NM_001161562.3 and 4 more transcripts).
Identifiers: ClinVar variation 4821884 (VCV004821884.4).

ClinVar aggregate classification (germline): Likely benign (1 of 4 stars; one submission).

gnomAD v4.1: 57 of 1,607,204 alleles (0.0035%); highest among the groups gnomAD compares: East Asian, 0.018%; no homozygotes.

Submission:

CeGaT Center for Human Genetics Tuebingen
Classification: Likely benign. Last evaluated: 2026-03-01. Review status: criteria provided, single submitter. Criteria: CeGaT Center For Human Genetics Tuebingen Variant Classification Criteria Version 2. Collection method: clinical testing. Allele origin: germline. Affected: yes. Observed: 1 variant allele.
Comment: TNIK: BP4, BP7